The following is an entry in ClinVar:

ClinVar aggregate classification (germline): Benign (1 of 4 stars; one submission).

Conditions:
Amyotrophic lateral sclerosis type 6. Also called: FUS-Related Amyotrophic Laterial Sclerosis; AMYOTROPHIC LATERAL SCLEROSIS 6 WITHOUT FRONTOTEMPORAL DEMENTIA; Amyotrophic lateral sclerosis 6, with or without frontotemporal dementia. Identifiers: Orphanet 275872, Orphanet 803, MedGen C2931786, MONDO:0011951, OMIM 608030.

Allele frequency attached by ClinVar (database versions not stated): gnomAD exomes 0.00180 and 0.00308; 1000 Genomes Project 30x 0.01577; gnomAD 0.01395 and 0.01500; ExAC 0.00056; 1000 Genomes Project 0.01358; TOPMed 0.01573.
gnomAD v4.1: 2,723 of 484,614 alleles (0.56%); highest among the groups gnomAD compares: African/African-American, 4.7%; 54 homozygotes.

Submission:

Illumina Laboratory Services, Illumina
Classification: Benign for Amyotrophic lateral sclerosis type 6. Last evaluated: 2018-01-13. Review status: criteria provided, single submitter. Criteria: ICSL Variant Classification Criteria 13 December 2019. Collection method: clinical testing. Allele origin: germline.
Comment: This variant was observed in the ICSL laboratory as part of a predisposition screen in an ostensibly healthy population. It had not been previously curated by ICSL or reported in the Human Gene Mutation Database (HGMD: prior to June 1st, 2018), and was therefore a candidate for classification through an automated scoring system. Utilizing variant allele frequency, disease prevalence and penetrance estimates, and inheritance mode, an automated score was calculated to assess if this variant is too frequent to cause the disease. Based on the score and internal cut-off values, a variant classified as benign is not then subjected to further curation. The score for this variant resulted in a classification of benign for this disease.

NM_004960.3(FUS):c.*1420C>T

Gene: FUS (FUS DNA/RNA binding protein; plus strand). Cytogenetic location: 16p11.2.
Variant type: single nucleotide variant.
Coding change: c.*1420C>T on transcript NM_004960.3; 1420 bases downstream of the stop codon, C replaced by T.
Molecular consequence: 3 prime UTR variant (on NM_001170634.1). On other transcripts: non-coding transcript variant (1).
Genome position (GRCh38, 1-based): chr16:31,192,858, C>T. VCF-style: chr16-31192858-C-T. GRCh37 (hg19) VCF-style: chr16-31204179-C-T.
Other names: c.*1420C>T (NM_001170634.1, NM_001170937.1).
Identifiers: ClinVar variation 319016 (VCV000319016.7), dbSNP rs73530295, ClinGen allele CA8024244.
Genomic context (GRCh38, chr16:31,192,858, plus strand): 5'-CTGACCTCAGGTGATCCACCTGCCTTGGCCTCCCAAAGTGCTGGAATTACAGGCATGAGC[C>T]GCTGCATCTGGCCATCCTCTCAAATTTTCAAGTGTTCCACAAGTATGTTCTCTACTGAAG-3'